The following is an entry in ClinVar:

ClinVar aggregate classification (germline): Uncertain significance (1 of 4 stars; one submission).

Conditions:
Hereditary cancer-predisposing syndrome. Also called: Hereditary neoplastic syndrome; Neoplastic Syndromes, Hereditary; Tumor predisposition; Hereditary Cancer Syndrome. Identifiers: Orphanet 140162, MedGen C0027672, MeSH D009386, MONDO:0015356.

Submission:

Ambry Genetics
Classification: Uncertain significance for Hereditary cancer-predisposing syndrome. Last evaluated: 2025-08-27. Review status: criteria provided, single submitter. Criteria: Ambry Variant Classification Scheme 2023. Collection method: clinical testing. Allele origin: germline.
Comment: The p.D119Y variant (also known as c.355G>T), located in coding exon 4 of the MUTYH gene, results from a G to T substitution at nucleotide position 355. The aspartic acid at codon 119 is replaced by tyrosine, an amino acid with highly dissimilar properties. This amino acid position is conserved. In addition, this alteration is predicted to be tolerated by in silico analysis. Based on the available evidence, the clinical significance of this variant remains unclear.

NM_001048174.2(MUTYH):c.271G>T (p.Asp91Tyr)

Gene: MUTYH (mutY DNA glycosylase; minus strand). Cytogenetic location: 1p34.1.
Variant type: single nucleotide variant.
Coding change: c.271G>T on transcript NM_001048174.2 (MANE Select); coding-DNA position 271, G replaced by T.
Protein change: p.Asp91Tyr; replaces aspartic acid 91 with tyrosine.
Molecular consequence: missense variant. On other transcripts: 5 prime UTR variant (6), non-coding transcript variant (7).
Genome position (GRCh38, 1-based): chr1:45,333,318, C>A on the plus strand (G>T on the coding strand, the complement: MUTYH is on the minus strand). VCF-style: chr1-45333318-C-A. GRCh37 (hg19) VCF-style: chr1-45798990-C-A.
Other names: c.271G>T, p.Asp91Tyr (NM_001048171.2, NM_001048173.2, NM_001293195.2 and 6 more transcripts); c.274G>T, p.Asp92Tyr (NM_001048172.2, NM_001407071.1, NM_001407078.1 and 2 more transcripts); c.355G>T, p.Asp119Tyr (NM_001128425.2); c.316G>T, p.Asp106Tyr (NM_001293190.2); c.304G>T, p.Asp102Tyr (NM_001293191.2, NM_001407077.1); c.-6G>T (NM_001293192.2, NM_001293196.2, NM_001407091.1); c.-1G>T (NM_001350650.2, NM_001350651.2, NM_001407082.1); c.346G>T, p.Asp116Tyr (NM_001407069.1, NM_012222.3); and 3 more; short protein forms D105Y, D106Y, D116Y, D102Y, D63Y, D119Y, D91Y, D92Y.
Identifiers: ClinVar variation 4113619 (VCV004113619.1).